The following is an entry in ClinVar:

NM_017777.4(MKS1):c.613C>T (p.His205Tyr)

Gene: MKS1 (MKS transition zone complex subunit 1; minus strand). Cytogenetic location: 17q22.
Variant type: single nucleotide variant.
Coding change: c.613C>T on transcript NM_017777.4 (MANE Select); coding-DNA position 613, C replaced by T.
Protein change: p.His205Tyr; replaces histidine 205 with tyrosine.
Molecular consequence: missense variant.
Genome position (GRCh38, 1-based): chr17:58,214,290, G>A on the plus strand (C>T on the coding strand, the complement: MKS1 is on the minus strand). VCF-style: chr17-58214290-G-A. GRCh37 (hg19) VCF-style: chr17-56291651-G-A.
Other names: c.4C>T, p.His2Tyr (NM_001321268.2); c.613C>T, p.His205Tyr (NM_001321269.2, NM_001330397.2); short protein forms H205Y, H2Y.
Identifiers: ClinVar variation 1329536 (VCV001329536.2), dbSNP rs2143804286, ClinGen allele CA400326884.

ClinVar aggregate classification (germline): Uncertain significance (1 of 4 stars; one submission).

Allele frequency attached by ClinVar (database versions not stated): gnomAD exomes below 0.00001.
gnomAD v4.1: 1 of 1,614,156 alleles (0.000062%); highest among the groups gnomAD compares: Non-Finnish European, 0.000085%; no homozygotes.

Submission:

GeneDx
Classification: Uncertain significance. Last evaluated: 2021-06-24. Review status: criteria provided, single submitter. Criteria: GeneDx Variant Classification Process June 2021. Collection method: clinical testing. Allele origin: germline. Affected: yes.
Comment: Not observed at significant frequency in large population cohorts (Lek et al., 2016); In silico analysis supports that this missense variant does not alter protein structure/function; Has not been previously published as pathogenic or benign to our knowledge; This variant is associated with the following publications: (PMID: 27535533)